The following is an entry in ClinVar:

ClinVar aggregate classification (germline): Uncertain significance. Review status: criteria provided, multiple submitters, no conflicts (2 of 4 stars). 2 submissions from 2 submitters: Uncertain significance (2). Last evaluated 2026-02-28.

Conditions:
Inborn genetic diseases. Identifiers: MedGen C0950123, MeSH D030342.

Submissions (2):

Ambry Genetics
Classification: Uncertain significance for Inborn genetic diseases. Last evaluated: 2026-02-28. Review status: criteria provided, single submitter. Criteria: Ambry Variant Classification Scheme 2023. Collection method: clinical testing. Allele origin: germline.
Comment: The p.P1277L variant (also known as c.3830C>T), located in coding exon 13 of the ASXL1 gene, results from a C to T substitution at nucleotide position 3830. The proline at codon 1277 is replaced by leucine, an amino acid with similar properties. This amino acid position is conserved. In addition, this alteration is predicted to be tolerated by in silico analysis. Based on the available evidence, the clinical significance of this variant remains unclear.

Labcorp Genetics (formerly Invitae), Labcorp
Classification: Uncertain significance. Last evaluated: 2025-12-15. Review status: criteria provided, single submitter. Criteria: Invitae Variant Classification Sherloc (09022015). Collection method: clinical testing. Allele origin: germline.
Comment: This sequence change replaces proline, which is neutral and non-polar, with leucine, which is neutral and non-polar, at codon 1277 of the ASXL1 protein (p.Pro1277Leu). This variant is not present in population databases (gnomAD no frequency). This variant has not been reported in the literature in individuals affected with ASXL1-related conditions. An algorithm developed to predict the effect of missense changes on protein structure and function (PolyPhen-2) suggests that this variant is likely to be tolerated. In summary, the available evidence is currently insufficient to determine the role of this variant in disease. Therefore, it has been classified as a Variant of Uncertain Significance.

NM_015338.6(ASXL1):c.3830C>T (p.Pro1277Leu)

Gene: ASXL1 (ASXL transcriptional regulator 1; plus strand). Cytogenetic location: 20q11.21.
Variant type: single nucleotide variant.
Coding change: c.3830C>T on transcript NM_015338.6 (MANE Select); coding-DNA position 3830, C replaced by T.
Protein change: p.Pro1277Leu; replaces proline 1277 with leucine.
Molecular consequence: missense variant.
Genome position (GRCh38, 1-based): chr20:32,436,542, C>T. VCF-style: chr20-32436542-C-T. GRCh37 (hg19) VCF-style: chr20-31024345-C-T.
Other names: c.3647C>T, p.Pro1216Leu (NM_001363734.1); short protein forms P1277L, P1216L.
Identifiers: ClinVar variation 4733252 (VCV004733252.2).